The following is an entry in ClinVar:

NM_183065.4(TMEM107):c.*809_*816dup

Gene: TMEM107 (transmembrane protein 107; minus strand). Cytogenetic location: 17p13.1.
Variant type: Duplication.
Coding change: c.*809_*816dup on transcript NM_183065.4 (MANE Select); 809 bases downstream of the stop codon through 816 bases downstream of the stop codon, 8 bases duplicated (CTATGAAG; older notation c.*809_*816dupCTATGAAG).
Molecular consequence: 3 prime UTR variant. On other transcripts: non-coding transcript variant (1).
Genome position (GRCh38, 1-based): chr17:8,173,387-8,173,394, CTTCATAG duplicated on the plus strand (CTATGAAG on the coding strand, the reverse complement: TMEM107 is on the minus strand); duplicating any 8 consecutive bases within chr17:8,173,387-8,173,396 gives the same sequence; the c. name uses the placement nearest the transcript's 3' end. VCF-style (leftmost placement, unchanged base first): chr17-8173386-A-ACTTCATAG. GRCh37 (hg19) VCF-style: chr17-8076704-A-ACTTCATAG.
Other names: c.*809_*816dup (NM_001351278.2, NM_001351279.2, NM_001351280.2 and 1 more transcripts).
Identifiers: ClinVar variation 4884106 (VCV004884106.2).
Genomic context (GRCh38, chr17:8,173,386, plus strand): 5'-TAGACAAACAGCAATAGCAAGACTGCAAAATAGACAAACAGCAAGGTTATCCCAGTCAGA[A>ACTTCATAG]CTTCATAGCTATGTTTGTGGATATCTGCTAATCAGCATAACACAAATGTAAGTGATCGTC-3'

ClinVar aggregate classification (germline): Uncertain significance (1 of 4 stars; one submission).

Submission:

Dasa
Classification: Uncertain significance. Last evaluated: 2026-01-26. Review status: criteria provided, single submitter. Criteria: DASA Assertion Criteria. Collection method: clinical testing. Allele origin: germline.
Comment: NM_183065.4(TMEM107):c.*809_*816dup is a sequence variant. This variant has been observed in affected individuals with TMEM107-related disorders. Also, this variant is rare in population databases. The currently available literature and clinical evidence are not sufficient to establish a definitive association between this variant and the reported condition. Therefore, this variant is classified as a variant of uncertain significance.